The following is an entry in ClinVar:

ClinVar aggregate classification (germline): Likely benign (0 of 4 stars; one submission).

Conditions:
SLC6A4-related disorder. Also called: SLC6A4-related condition.

gnomAD v4.1: 3 of 1,609,342 alleles (0.00019%); highest among the groups gnomAD compares: Middle Eastern, 0.017%; no homozygotes.

Submission:

PreventionGenetics, part of Exact Sciences
Classification: Likely benign for SLC6A4-related condition. Last evaluated: 2019-09-19. Review status: no assertion criteria provided. Collection method: clinical testing. Allele origin: germline.
Comment: This variant is classified as likely benign based on ACMG/AMP sequence variant interpretation guidelines (Richards et al. 2015 PMID: 25741868, with internal and published modifications).

NM_001045.6(SLC6A4):c.1299G>C (p.Thr433=)

Gene: SLC6A4 (solute carrier family 6 member 4; minus strand). Cytogenetic location: 17q11.2.
Variant type: single nucleotide variant.
Coding change: c.1299G>C on transcript NM_001045.6 (MANE Select); coding-DNA position 1299, G replaced by C.
Protein change: p.Thr433=; no amino-acid change (threonine 433 retained).
Molecular consequence: synonymous variant.
Genome position (GRCh38, 1-based): chr17:30,211,330, C>G on the plus strand (G>C on the coding strand, the complement: SLC6A4 is on the minus strand). VCF-style: chr17-30211330-C-G. GRCh37 (hg19) VCF-style: chr17-28538348-C-G.
Identifiers: ClinVar variation 3040244 (VCV003040244.2), dbSNP rs753478260, ClinGen allele CA499176560.